The following is an entry in ClinVar:

ClinVar aggregate classification (germline): Uncertain significance (1 of 4 stars; one submission).

Submission:

Labcorp Genetics (formerly Invitae), Labcorp
Classification: Uncertain significance. Last evaluated: 2023-06-23. Review status: criteria provided, single submitter. Criteria: Invitae Variant Classification Sherloc (09022015). Collection method: clinical testing. Allele origin: germline.
Comment: This variant has not been reported in the literature in individuals affected with VAV1-related conditions. In summary, the available evidence is currently insufficient to determine the role of this variant in disease. Therefore, it has been classified as a Variant of Uncertain Significance. An algorithm developed to predict the effect of missense changes on protein structure and function (PolyPhen-2) suggests that this variant is likely to be tolerated. This variant is not present in population databases (gnomAD no frequency). This sequence change replaces proline, which is neutral and non-polar, with threonine, which is neutral and polar, at codon 186 of the VAV1 protein (p.Pro186Thr).

NM_005428.4(VAV1):c.556C>A (p.Pro186Thr)

Gene: VAV1 (vav guanine nucleotide exchange factor 1; plus strand). Cytogenetic location: 19p13.3.
Variant type: single nucleotide variant.
Coding change: c.556C>A on transcript NM_005428.4 (MANE Select); coding-DNA position 556, C replaced by A.
Protein change: p.Pro186Thr; replaces proline 186 with threonine.
Molecular consequence: missense variant.
Genome position (GRCh38, 1-based): chr19:6,822,327, C>A. VCF-style: chr19-6822327-C-A. GRCh37 (hg19) VCF-style: chr19-6822338-C-A.
Other names: c.556C>A, p.Pro186Thr (NM_001258206.2, NM_001258207.2); short protein forms P186T.
Identifiers: ClinVar variation 2979343 (VCV002979343.3), dbSNP rs2512359179, ClinGen allele CA403615936.